The following is an entry in ClinVar:

ClinVar aggregate classification (germline): Uncertain significance (1 of 4 stars; one submission).

gnomAD v4.1: 17 of 1,614,096 alleles (0.0011%); highest among the groups gnomAD compares: African/African-American, 0.004%; no homozygotes.

Submission:

Ambry Genetics
Classification: Uncertain significance. Last evaluated: 2024-12-31. Review status: criteria provided, single submitter. Criteria: Ambry Variant Classification Scheme 2023. Collection method: clinical testing. Allele origin: germline.
Comment: The p.H45R variant (also known as c.134A>G), located in coding exon 1 of the CDK12 gene, results from an A to G substitution at nucleotide position 134. The histidine at codon 45 is replaced by arginine, an amino acid with highly similar properties. This amino acid position is conserved. In addition, this alteration is predicted to be tolerated by in silico analysis. Based on the available evidence, the clinical significance of this variant remains unclear.

NM_016507.4(CDK12):c.134A>G (p.His45Arg)

Genes: CDK12 (cyclin dependent kinase 12; plus strand), LOC126862553 (CDK7 strongly-dependent group 2 enhancer GRCh37_chr17:37618166-37619365; plus strand). Cytogenetic location: 17q12.
Variant type: single nucleotide variant.
Coding change: c.134A>G on transcript NM_016507.4 (MANE Select); coding-DNA position 134, A replaced by G.
Protein change: p.His45Arg; replaces histidine 45 with arginine.
Molecular consequence: missense variant.
Genome position (GRCh38, 1-based): chr17:39,462,205, A>G. VCF-style: chr17-39462205-A-G. GRCh37 (hg19) VCF-style: chr17-37618458-A-G.
Other names: c.134A>G, p.His45Arg (NM_015083.4); short protein forms H45R.
Identifiers: ClinVar variation 3830429 (VCV003830429.1).